The following is an entry in ClinVar:

NM_003321.5(TUFM):c.811G>A (p.Val271Ile)

Gene: TUFM (Tu translation elongation factor, mitochondrial; minus strand). Cytogenetic location: 16p11.2.
Variant type: single nucleotide variant.
Coding change: c.811G>A on transcript NM_003321.5 (MANE Select); coding-DNA position 811, G replaced by A.
Protein change: p.Val271Ile; replaces valine 271 with isoleucine.
Molecular consequence: missense variant.
Genome position (GRCh38, 1-based): chr16:28,844,425, C>T on the plus strand (G>A on the coding strand, the complement: TUFM is on the minus strand). VCF-style: chr16-28844425-C-T. GRCh37 (hg19) VCF-style: chr16-28855746-C-T.
Other names: c.811G>A, p.Val271Ile (NM_001365360.2); c.811G>A (NM_003321.4); short protein forms V271I.
Identifiers: ClinVar variation 1902971 (VCV001902971.5), dbSNP rs918073945, ClinGen allele CA279237867.
Genomic context (GRCh38, chr16:28,844,425, plus strand): 5'-CCCCGAGCTAGGCTTCTGCTAGAGAGAGTGCGTGGGAACAGACAGAGTCCTCACCAGGGA[C>T]GGAGTACACCGCCTCCACAGGCAGCAGGAAAGGCTTCTCCAGGTCCCGGGCGGGCACTGG-3'
Protein context (NP_003312.3, residues 261-281): FLLPVEAVYS[Val271Ile]PGRGTVVTGT

ClinVar aggregate classification (germline): Conflicting classifications of pathogenicity. Review status: criteria provided, conflicting classifications (1 of 4 stars). 2 submissions from 2 submitters: Uncertain significance (1); Likely benign (1). Last evaluated 2025-03-15.

Conditions:
Inborn genetic diseases. Identifiers: MedGen C0950123, MeSH D030342.

Allele frequency attached by ClinVar (database versions not stated): TOPMed 0.00005; gnomAD 0.00001; gnomAD exomes 0.00001.

Submissions (2):

Ambry Genetics
Classification: Likely benign for Inborn genetic diseases. Last evaluated: 2025-03-15. Review status: criteria provided, single submitter. Criteria: Ambry Variant Classification Scheme 2023. Collection method: clinical testing. Allele origin: germline.

Labcorp Genetics (formerly Invitae), Labcorp
Classification: Uncertain significance. Last evaluated: 2024-12-09. Review status: criteria provided, single submitter. Criteria: Invitae Variant Classification Sherloc (09022015). Collection method: clinical testing. Allele origin: germline.
Comment: This sequence change replaces valine, which is neutral and non-polar, with isoleucine, which is neutral and non-polar, at codon 271 of the TUFM protein (p.Val271Ile). This variant is present in population databases (no rsID available, gnomAD 0.003%). This variant has not been reported in the literature in individuals affected with TUFM-related conditions. ClinVar contains an entry for this variant (Variation ID: 1902971). Invitae Evidence Modeling of protein sequence and biophysical properties (such as structural, functional, and spatial information, amino acid conservation, physicochemical variation, residue mobility, and thermodynamic stability) indicates that this missense variant is not expected to disrupt TUFM protein function with a negative predictive value of 80%. In summary, the available evidence is currently insufficient to determine the role of this variant in disease. Therefore, it has been classified as a Variant of Uncertain Significance.